The following is an entry in ClinVar:

NM_006099.3(PIAS3):c.1036C>T (p.Leu346=)

Gene: PIAS3 (protein inhibitor of activated STAT 3; minus strand). Cytogenetic location: 1q21.1.
Variant type: single nucleotide variant.
Coding change: c.1036C>T on transcript NM_006099.3 (MANE Select); coding-DNA position 1036, C replaced by T.
Protein change: p.Leu346=; no amino-acid change (leucine 346 retained).
Molecular consequence: synonymous variant.
Genome position (GRCh38, 1-based): chr1:145,853,613, G>A on the plus strand (C>T on the coding strand, the complement: PIAS3 is on the minus strand). VCF-style: chr1-145853613-G-A. GRCh37 (hg19) VCF-style: chr1-145581455-C-T.
Identifiers: ClinVar variation 2639113 (VCV002639113.24), dbSNP rs114124194, ClinGen allele CA1057997.

ClinVar aggregate classification (germline): Likely benign (1 of 4 stars; one submission).

Allele frequency attached by ClinVar (database versions not stated): 1000 Genomes Project 0.00300; 1000 Genomes Project 30x 0.00344; ExAC 0.00414; gnomAD 0.00463; TOPMed 0.00487; ESP Exome Variant Server 0.00669; gnomAD exomes 0.00734.

Submission:

CeGaT Center for Human Genetics Tuebingen
Classification: Likely benign. Last evaluated: 2022-07-01. Review status: criteria provided, single submitter. Criteria: CeGaT Center For Human Genetics Tuebingen Variant Classification Criteria Version 2. Collection method: clinical testing. Allele origin: germline. Affected: yes. Observed: 1 variant allele.
Comment: PIAS3: BP4, BP7